The following is an entry in ClinVar:

ClinVar aggregate classification (germline): Pathogenic/Likely pathogenic. Review status: criteria provided, multiple submitters, no conflicts (2 of 4 stars). 3 submissions from 3 submitters: Pathogenic (2); Likely pathogenic (1). Last evaluated 2021-06-17.

Conditions:
Bethlem myopathy 1A. Also called: Bethlem Muscular Dystrophy; Bethlem myopathy 1; MYOPATHY, BENIGN CONGENITAL, WITH CONTRACTURES. Identifiers: Orphanet 610, MedGen CN029274, MONDO:0024530, OMIM 158810.

Submissions (3):

Labcorp Genetics (formerly Invitae), Labcorp
Classification: Pathogenic for Bethlem myopathy 1A. Last evaluated: 2021-06-17. Review status: criteria provided, single submitter. Criteria: Invitae Variant Classification Sherloc (09022015). Collection method: clinical testing. Allele origin: germline.
Comment: This sequence change affects a donor splice site in intron 6 of the COL6A2 gene. It is expected to disrupt RNA splicing. Variants that disrupt the donor or acceptor splice site typically lead to a loss of protein function (PMID: 16199547), and loss-of-function variants in COL6A2 are known to be disease-causing for autosomal recessive COL6A2 conditions (PMID: 21280092, 20976770). However, certain variants affecting donor or acceptor splice sites in the triple helical domain of COL6A2 are expected to result in in-frame exon skipping and have been reported to cause autosomal dominant COL6A2-related conditions (PMID: 18366090). This variant is not present in population databases (ExAC no frequency). Disruption of this splice site has been observed in individual(s) with autosomal dominant Ullrich congenital muscular dystrophy (PMID: 24271325). In at least one individual the variant was observed to be de novo. Disruption of this splice site has also been reported in individual(s) with autosomal recessive COL6A2-related muscular dystrophy (PMID: 32065942); however, the role of the variant in this condition is currently unclear. ClinVar contains an entry for this variant (Variation ID: 444578). Algorithms developed to predict the effect of sequence changes on RNA splicing suggest that this variant may disrupt the consensus splice site, but this prediction has not been confirmed by published transcriptional studies. For these reasons, this variant has been classified as Pathogenic.

GeneDx
Classification: Pathogenic. Last evaluated: 2017-09-19. Review status: criteria provided, single submitter. Criteria: GeneDx Variant Classification (06012015). Collection method: clinical testing. Allele origin: germline. Affected: yes.
Comment: The c.855+1 G>C pathogenic splice site variant in the COL6A2 gene destroys the canonical splice donor site in intron 6. It is predicted to cause abnormal gene splicing, either leading to an abnormal message that is subject to nonsense-mediated mRNA decay, or to an abnormal protein product if the message is used for protein translation. This substitution occurs within the Gly-X-Y motif in the triple helical (TH) domain of collagen VI, a region that is well-conserved across species. Although the c.855+1 G>C variant has not been reported to our knowledge, a different substitution at the same position (c.855+1 G>A) has been previously reported as a de novo variant in an individual with moderately progressive collagen VI-related myopathy (Brinas et al., 2009). This variant is not observed at a significant frequency in large population cohorts (Lek et al., 2016; 1000 Genomes Consortium et al., 2015; Exome Variant Server).

CeGaT Center for Human Genetics Tuebingen
Classification: Likely pathogenic. Last evaluated: 2017-03-01. Review status: criteria provided, single submitter. Criteria: CeGaT Center For Human Genetics Tuebingen Variant Classification Criteria Version 2. Collection method: clinical testing. Allele origin: germline. Affected: yes. Observed: 1 variant allele.

Literature cited by the submitters: PubMed 16199547 (cited by Labcorp Genetics (formerly Invitae), Labcorp); PubMed 21280092 (cited by Labcorp Genetics (formerly Invitae), Labcorp); PubMed 20976770 (cited by Labcorp Genetics (formerly Invitae), Labcorp); PubMed 18366090 (cited by Labcorp Genetics (formerly Invitae), Labcorp); PubMed 24271325 (cited by Labcorp Genetics (formerly Invitae), Labcorp); PubMed 32065942 (cited by Labcorp Genetics (formerly Invitae), Labcorp).

NM_001849.4(COL6A2):c.855+1G>C

Gene: COL6A2 (collagen type VI alpha 2 chain; plus strand). Cytogenetic location: 21q22.3.
Variant type: single nucleotide variant.
Coding change: c.855+1G>C on transcript NM_001849.4 (MANE Select); the canonical splice donor site of the intron after coding-DNA position 855, G replaced by C.
Molecular consequence: splice donor variant.
Genome position (GRCh38, 1-based): chr21:46,115,926, G>C. VCF-style: chr21-46115926-G-C. GRCh37 (hg19) VCF-style: chr21-47535840-G-C.
Other names: c.855+1G>C (NM_058175.3, NM_058174.3).
Identifiers: ClinVar variation 444578 (VCV000444578.49), dbSNP rs1057517988, ClinGen allele CA410524952.